The following is an entry in ClinVar:

ClinVar aggregate classification (germline): Uncertain significance (1 of 4 stars; one submission).

Conditions:
Jeune thoracic dystrophy. Also called: Short-rib thoracic dysplasia; Jeune syndrome; Infantile thoracic dystrophy; Thoracic pelvic phalangeal dystrophy; Jeune's syndrome; Chondroectodermal dysplasia-like syndrome. Identifiers: Orphanet 474, MedGen C0265275, MONDO:0018770.

Allele frequency attached by ClinVar (database versions not stated): gnomAD exomes below 0.00001 and 0.00002; ExAC 0.00003.
gnomAD v4.1: 6 of 1,596,634 alleles (0.00038%); highest among the groups gnomAD compares: Admixed American, 0.01%; no homozygotes.

Submission:

Labcorp Genetics (formerly Invitae), Labcorp
Classification: Uncertain significance for Jeune thoracic dystrophy. Last evaluated: 2024-11-05. Review status: criteria provided, single submitter. Criteria: Invitae Variant Classification Sherloc (09022015). Collection method: clinical testing. Allele origin: germline.
Comment: This sequence change replaces isoleucine, which is neutral and non-polar, with valine, which is neutral and non-polar, at codon 439 of the IFT80 protein (p.Ile439Val). This variant is present in population databases (rs750652226, gnomAD 0.02%). This variant has not been reported in the literature in individuals affected with IFT80-related conditions. ClinVar contains an entry for this variant (Variation ID: 1415064). An algorithm developed to predict the effect of missense changes on protein structure and function outputs the following: PolyPhen-2: "Benign". The valine amino acid residue is found in multiple mammalian species, which suggests that this missense change does not adversely affect protein function. In summary, the available evidence is currently insufficient to determine the role of this variant in disease. Therefore, it has been classified as a Variant of Uncertain Significance.

NM_020800.3(IFT80):c.1315A>G (p.Ile439Val)

Genes: TRIM59-IFT80 (TRIM59-IFT80 readthrough (NMD candidate); minus strand), IFT80 (intraflagellar transport 80; minus strand). Cytogenetic location: 3q25.33.
Variant type: single nucleotide variant.
Coding change: c.1315A>G on transcript NM_020800.3 (MANE Select); coding-DNA position 1315, A replaced by G.
Protein change: p.Ile439Val; replaces isoleucine 439 with valine.
Molecular consequence: missense variant. On other transcripts: non-coding transcript variant (3).
Genome position (GRCh38, 1-based): chr3:160,300,883, T>C on the plus strand (A>G on the coding strand, the complement: IFT80 is on the minus strand). VCF-style: chr3-160300883-T-C. GRCh37 (hg19) VCF-style: chr3-160018671-T-C.
Other names: c.904A>G, p.Ile302Val (NM_001190241.2, NM_001190242.2); short protein forms I439V, I302V.
Identifiers: ClinVar variation 1415064 (VCV001415064.8), dbSNP rs750652226, ClinGen allele CA2685206.